The following is an entry in ClinVar:

ClinVar aggregate classification (germline): Uncertain significance (1 of 4 stars; one submission).

gnomAD v4.1: 5 of 1,555,164 alleles (0.00032%); highest among the groups gnomAD compares: African/African-American, 0.0027%; no homozygotes.

Submission:

Ambry Genetics
Classification: Uncertain significance. Last evaluated: 2025-10-06. Review status: criteria provided, single submitter. Criteria: Ambry Variant Classification Scheme 2023. Collection method: clinical testing. Allele origin: germline.
Comment: The p.A581S variant (also known as c.1741G>T), located in coding exon 7 of the WNK2 gene, results from a G to T substitution at nucleotide position 1741. The alanine at codon 581 is replaced by serine, an amino acid with similar properties. This amino acid position is conserved. In addition, this alteration is predicted to be tolerated by in silico analysis. Based on the available evidence, the clinical significance of this variant remains unclear.

NM_006648.4(WNK2):c.1741G>T (p.Ala581Ser)

Gene: WNK2 (WNK lysine deficient protein kinase 2; plus strand). Cytogenetic location: 9q22.31.
Variant type: single nucleotide variant.
Coding change: c.1741G>T on transcript NM_006648.4 (MANE Select); coding-DNA position 1741, G replaced by T.
Protein change: p.Ala581Ser; replaces alanine 581 with serine.
Molecular consequence: missense variant.
Genome position (GRCh38, 1-based): chr9:93,247,741, G>T. VCF-style: chr9-93247741-G-T. GRCh37 (hg19) VCF-style: chr9-96010023-G-T.
Other names: c.1741G>T, p.Ala581Ser (NM_001282394.3); short protein forms A581S.
Identifiers: ClinVar variation 4605227 (VCV004605227.1).